The following is an entry in ClinVar:

ClinVar aggregate classification (germline): Likely benign. Review status: criteria provided, multiple submitters, no conflicts (2 of 4 stars). 4 submissions from 4 submitters: Likely benign (3). 1 of the submissions does not count toward it. Last evaluated 2026-04-06.

Conditions:
IFIH1-related disorder. Also called: IFIH1-related condition.
Aicardi-Goutieres syndrome 7 (AGS7). Identifiers: Orphanet 51, MedGen C3888244, MONDO:0014367, OMIM 615846.
Singleton-Merten syndrome 1 (SGMRT1). Also called: Widened medullary cavities of bone, aortic calcification, abnormal dentition, and muscular weakness; Syndrome of widened medullary cavities of the metacarpals and phalanges, aortic calcification and abnormal dentition. Identifiers: Orphanet 85191, MedGen C4225427, MONDO:0024535, OMIM 182250.

Allele frequency attached by ClinVar (database versions not stated): gnomAD exomes below 0.00001; TOPMed 0.00002.
gnomAD v4.1: 4 of 1,612,786 alleles (0.00025%); highest among the groups gnomAD compares: Non-Finnish European, 0.00034%; no homozygotes.

Submissions (4):

Women's Health and Genetics/Laboratory Corporation of America, LabCorp
Classification: Likely benign. Last evaluated: 2026-04-06. Review status: criteria provided, single submitter. Criteria: LabCorp Variant Classification Summary - May 2015. Collection method: clinical testing. Allele origin: germline.

CeGaT Center for Human Genetics Tuebingen
Classification: Likely benign. Last evaluated: 2025-10-01. Review status: criteria provided, single submitter. Criteria: CeGaT Center For Human Genetics Tuebingen Variant Classification Criteria Version 2. Collection method: clinical testing. Allele origin: germline. Affected: yes. Observed: 1 variant allele.
Comment: IFIH1: BP4, BP7

Labcorp Genetics (formerly Invitae), Labcorp
Classification: Likely benign for Aicardi-Goutieres syndrome 7; Singleton-Merten syndrome 1. Last evaluated: 2025-04-08. Review status: criteria provided, single submitter. Criteria: Invitae Variant Classification Sherloc (09022015). Collection method: clinical testing. Allele origin: germline.

PreventionGenetics, part of Exact Sciences
Classification: Likely benign for IFIH1-related condition. Last evaluated: 2022-06-01. Review status: no assertion criteria provided. Collection method: clinical testing. Allele origin: germline. Not counted in ClinVar's aggregate classification.
Comment: This variant is classified as likely benign based on ACMG/AMP sequence variant interpretation guidelines (Richards et al. 2015 PMID: 25741868, with internal and published modifications).

NM_022168.4(IFIH1):c.1810T>C (p.Leu604=)

Gene: IFIH1 (interferon induced with helicase C domain 1; minus strand). Cytogenetic location: 2q24.2.
Variant type: single nucleotide variant.
Coding change: c.1810T>C on transcript NM_022168.4 (MANE Select); coding-DNA position 1810, T replaced by C.
Protein change: p.Leu604=; no amino-acid change (leucine 604 retained).
Molecular consequence: synonymous variant.
Genome position (GRCh38, 1-based): chr2:162,277,649, A>G on the plus strand (T>C on the coding strand, the complement: IFIH1 is on the minus strand). VCF-style: chr2-162277649-A-G. GRCh37 (hg19) VCF-style: chr2-163134159-A-G.
Other names: c.1810T>C (NM_022168.3).
Identifiers: ClinVar variation 1985286 (VCV001985286.13), dbSNP rs1682721306, ClinGen allele CA429724657.